The following is an entry in ClinVar:

ClinVar aggregate classification (germline): Likely benign. Review status: criteria provided, multiple submitters, no conflicts (2 of 4 stars). 3 submissions from 3 submitters: Likely benign (3). Last evaluated 2025-12-20.

Conditions:
Cardiovascular phenotype. Identifiers: MedGen CN230736.
MYH6-related disorder. Also called: MYH6-related condition; MYH6-Related Disorders.
Hypertrophic cardiomyopathy 14. Identifiers: MedGen C2750467, MONDO:0013197, OMIM 613251.

Allele frequency attached by ClinVar (database versions not stated): gnomAD exomes 0.00001 and 0.00005; ExAC 0.00010; gnomAD 0.00013 and 0.00015; TOPMed 0.00019; ESP Exome Variant Server 0.00031.
gnomAD v4.1: 41 of 1,613,822 alleles (0.0025%); highest among the groups gnomAD compares: African/African-American, 0.049%; no homozygotes.

Submissions (3):

Labcorp Genetics (formerly Invitae), Labcorp
Classification: Likely benign for Hypertrophic cardiomyopathy 14. Last evaluated: 2025-12-20. Review status: criteria provided, single submitter. Criteria: Invitae Variant Classification Sherloc (09022015). Collection method: clinical testing. Allele origin: germline.

PreventionGenetics, part of Exact Sciences
Classification: Likely benign for MYH6-related condition. Last evaluated: 2025-12-08. Review status: criteria provided, single submitter. Criteria: ACMG Guidelines, 2015. Collection method: clinical testing. Allele origin: germline.
Comment: This variant is classified as likely benign based on ACMG/AMP sequence variant interpretation guidelines (Richards et al. 2015 PMID: 25741868, with internal and published modifications).

Ambry Genetics
Classification: Likely benign for Cardiovascular phenotype. Last evaluated: 2020-01-23. Review status: criteria provided, single submitter. Criteria: Ambry Variant Classification Scheme 2023. Collection method: clinical testing. Allele origin: germline.

NM_002471.4(MYH6):c.4386T>C (p.Tyr1462=)

Gene: MYH6 (myosin heavy chain 6; minus strand). Cytogenetic location: 14q11.2.
Variant type: single nucleotide variant.
Coding change: c.4386T>C on transcript NM_002471.4 (MANE Select); coding-DNA position 4386, T replaced by C.
Protein change: p.Tyr1462=; no amino-acid change (tyrosine 1462 retained).
Molecular consequence: synonymous variant.
Genome position (GRCh38, 1-based): chr14:23,387,897, A>G on the plus strand (T>C on the coding strand, the complement: MYH6 is on the minus strand). VCF-style: chr14-23387897-A-G. GRCh37 (hg19) VCF-style: chr14-23857106-A-G.
Identifiers: ClinVar variation 696508 (VCV000696508.13), dbSNP rs149314355, ClinGen allele CA7114780.